The following is an entry in ClinVar:

NM_006755.2(TALDO1):c.586T>C (p.Trp196Arg)

Genes: TALDO1 (transaldolase 1; plus strand), LOC126861110 (CDK7 strongly-dependent group 2 enhancer GRCh37_chr11:762588-763787; plus strand). Cytogenetic location: 11p15.5.
Variant type: single nucleotide variant.
Coding change: c.586T>C on transcript NM_006755.2 (MANE Select); coding-DNA position 586, T replaced by C.
Protein change: p.Trp196Arg; replaces tryptophan 196 with arginine.
Molecular consequence: missense variant.
Genome position (GRCh38, 1-based): chr11:763,468, T>C. VCF-style: chr11-763468-T-C. GRCh37 (hg19) VCF-style: chr11-763468-T-C.
Other names: short protein forms W196R.
Identifiers: ClinVar variation 392950 (VCV000392950.2), dbSNP rs1057524714, ClinGen allele CA16606338.
Genomic context (GRCh38, chr11:763,468, plus strand): 5'-GTGGCCTGTGCCGAGGCGGGTGTGACCCTCATCTCCCCATTTGTTGGGCGCATCCTTGAT[T>C]GGCATGTGGCAAACACCGACAAGAAATCCTATGAGCCCCTGGAAGACCCTGGTGAGGGTC-3'
Protein context (NP_006746.1, residues 186-206): ISPFVGRILD[Trp196Arg]HVANTDKKSY

ClinVar aggregate classification (germline): Likely pathogenic (1 of 4 stars; one submission).

Submission:

GeneDx
Classification: Likely pathogenic. Last evaluated: 2017-01-26. Review status: criteria provided, single submitter. Criteria: GeneDx Variant Classification (06012015). Collection method: clinical testing. Allele origin: germline. Affected: yes.
Comment: The W196R variant in the TALDO1 gene has not been reported previously as a pathogenic variant, nor as a benign variant, to our knowledge. The W196R variant was not observed in approximately 6500 individuals of European and African American ancestry in the NHLBI Exome Sequencing Project, indicating it is not a common benign variant in these populations. The W196R variant is a non-conservative amino acid substitution, which is likely to impact secondary protein structure as these residues differ in polarity, charge, size and/or other properties. This substitution occurs at a position that is conserved across species, and in silico analysis predicts this variant is probably damaging to the protein structure/function. The W196R variant is a strong candidate for a pathogenic variant.